The following is an entry in ClinVar:

ClinVar aggregate classification (germline): Pathogenic/Likely pathogenic. Review status: criteria provided, multiple submitters, no conflicts (2 of 4 stars). 4 submissions from 4 submitters: Pathogenic (2); Likely pathogenic (2). Last evaluated 2024-03-07.

Conditions:
Cockayne syndrome. Identifiers: Orphanet 191, MedGen C0009207, MONDO:0016006.
ERCC8-related disorder. Also called: ERCC8-related condition.

Submissions (4):

GeneDx
Classification: Pathogenic. Last evaluated: 2024-03-07. Review status: criteria provided, single submitter. Criteria: GeneDx Variant Classification Process June 2021. Collection method: clinical testing. Allele origin: germline. Affected: yes.
Comment: In-frame deletion of two amino acids in a non-repeat region predicted to critically alter the protein; In silico analysis supports a deleterious effect on protein structure/function; Not observed at significant frequency in large population cohorts (gnomAD); This variant is associated with the following publications: (PMID: 38190785)

Women's Health and Genetics/Laboratory Corporation of America, LabCorp
Classification: Likely pathogenic for Cockayne syndrome. Last evaluated: 2023-12-04. Review status: criteria provided, single submitter. Criteria: LabCorp Variant Classification Summary - May 2015. Collection method: clinical testing. Allele origin: germline.
Comment: Variant summary: ERCC8 c.611_616delCAGCAA (p.Thr204_Ala205del) results in an in-frame deletion that is predicted to remove two amino acids from the encoded protein. Consensus agreement among computation tools predict no significant impact on normal splicing. However, these predictions have yet to be confirmed by functional studies. The variant was absent in 250866 control chromosomes. To our knowledge, no occurrence of c.611_616delCAGCAA in individuals affected with Cockayne Syndrome and no experimental evidence demonstrating its impact on protein function have been reported. However, Ala205Pro has been classified as pathogenic in ClinVar, suggesting a functional importance of this residue. Three submitters have cited clinical-significance assessments for this variant to ClinVar after 2014. All submitters classified the variant as pathogenic/likely pathogenic. Based on the evidence outlined above, the variant was classified as likely pathogenic.

Labcorp Genetics (formerly Invitae), Labcorp
Classification: Pathogenic. Last evaluated: 2023-12-01. Review status: criteria provided, single submitter. Criteria: Invitae Variant Classification Sherloc (09022015). Collection method: clinical testing. Allele origin: germline.
Comment: This variant, c.611_616del, results in the deletion of 2 amino acid(s) of the ERCC8 protein (p.Thr204_Ala205del), but otherwise preserves the integrity of the reading frame. This variant is not present in population databases (gnomAD no frequency). This variant has not been reported in the literature in individuals affected with ERCC8-related conditions. ClinVar contains an entry for this variant (Variation ID: 1208140). Algorithms developed to predict the effect of sequence changes on RNA splicing suggest that this variant may disrupt the consensus splice site. This variant disrupts a region of the ERCC8 protein in which other variant(s) (p.Ala205Pro) have been determined to be pathogenic (PMID: 14661080, 16949367, 29531219, 32048102). This suggests that this is a clinically significant region of the protein, and that variants that disrupt it are likely to be disease-causing. For these reasons, this variant has been classified as Pathogenic.

PreventionGenetics, part of Exact Sciences
Classification: Likely pathogenic for ERCC8-related condition. Last evaluated: 2023-06-23. Review status: criteria provided, single submitter. Criteria: ACMG Guidelines, 2015. Collection method: clinical testing. Allele origin: germline.
Comment: The ERCC8 c.611_616del6 variant is predicted to result in an in-frame deletion (p.Thr204_Ala205del). Variants disrupting the Thr204 or Ala205 amino acid residues have been reported in the compound heterozygous state in individuals with Cockayne syndrome (Cao et al. 2004. PubMed ID: 14661080; Bertola et al. 2006. PubMed ID: 16865293; Cho et al. 2020. PubMed ID: 32048102). This variant has not been reported in a large population database, indicating this variant is rare. This variant is interpreted as likely pathogenic.

Literature cited by the submitters: PubMed 14661080 (cited by Labcorp Genetics (formerly Invitae), Labcorp); PubMed 16949367 (cited by Labcorp Genetics (formerly Invitae), Labcorp); PubMed 29531219 (cited by Labcorp Genetics (formerly Invitae), Labcorp); PubMed 32048102 (cited by Labcorp Genetics (formerly Invitae), Labcorp).

NM_000082.4(ERCC8):c.611_616del (p.Thr204_Ala205del)

Gene: ERCC8 (ERCC excision repair 8, CSA ubiquitin ligase complex subunit; minus strand). Cytogenetic location: 5q12.1.
Variant type: Deletion.
Coding change: c.611_616del on transcript NM_000082.4 (MANE Select); coding-DNA positions 611 to 616, 6 bases deleted (CAGCAA; older notation c.611_616delCAGCAA).
Protein change: p.Thr204_Ala205del.
Molecular consequence: inframe deletion.
Genome position (GRCh38, 1-based): chr5:60,902,443-60,902,448, TTGCTG deleted on the plus strand (CAGCAA on the coding strand, the reverse complement: ERCC8 is on the minus strand); deleting any 6 consecutive bases within chr5:60,902,443-60,902,452 gives the same sequence; the c. name uses the placement nearest the transcript's 3' end. VCF-style (leftmost placement, unchanged base first): chr5-60902442-CTTGCTG-C. GRCh37 (hg19) VCF-style: chr5-60198269-CTTGCTG-C.
Other names: c.611_616del6 (NM_000082.3); c.611_616delCAGCAA (NM_000082.4); c.437_442del, p.Thr146_Ala147del (NM_001007233.3); c.152_157del, p.Thr51_Ala52del (NM_001290285.2).
Identifiers: ClinVar variation 1208140 (VCV001208140.13), dbSNP rs2112491212, ClinGen allele CA2499217875.